The following is an entry in ClinVar:

ClinVar aggregate classification (germline): Pathogenic/Likely pathogenic. Review status: criteria provided, multiple submitters, no conflicts (2 of 4 stars). 2 submissions from 2 submitters: Pathogenic (1); Likely pathogenic (1). Last evaluated 2025-01-06.

Conditions:
Hereditary cancer-predisposing syndrome. Also called: Hereditary Cancer Syndrome; Neoplastic Syndromes, Hereditary; Tumor predisposition; Hereditary neoplastic syndrome. Identifiers: Orphanet 140162, MedGen C0027672, MeSH D009386, MONDO:0015356.
Hereditary breast ovarian cancer syndrome. Also called: Hereditary breast and ovarian cancer syndrome; Breast and ovarian cancer; Hereditary breast and ovarian cancer syndrome (HBOC); Hereditary breast and ovarian cancer; BRCA1- and BRCA2-Associated Hereditary Breast and Ovarian Cancer; Hereditary breast and/or ovarian cancer syndrome. Identifiers: Orphanet 145, MedGen C0677776, MeSH D061325, MONDO:0003582. Disease mechanism: loss of function.

Submissions (2):

Labcorp Genetics (formerly Invitae), Labcorp
Classification: Pathogenic for Hereditary breast ovarian cancer syndrome. Last evaluated: 2025-01-06. Review status: criteria provided, single submitter. Criteria: Invitae Variant Classification Sherloc (09022015). Collection method: clinical testing. Allele origin: germline.
Comment: This sequence change creates a premature translational stop signal (p.Arg1160*) in the BRCA2 gene. It is expected to result in an absent or disrupted protein product. Loss-of-function variants in BRCA2 are known to be pathogenic (PMID: 20104584). This variant is not present in population databases (gnomAD no frequency). This variant has not been reported in the literature in individuals affected with BRCA2-related conditions. For these reasons, this variant has been classified as Pathogenic.

Institute for Genomic Medicine (IGM) Clinical Laboratory, Nationwide Children's Hospital
Classification: Likely pathogenic for Hereditary cancer-predisposing syndrome. Last evaluated: 2024-05-03. Review status: criteria provided, single submitter. Criteria: ACMG Guidelines, 2015. Collection method: clinical testing. Allele origin: germline.
Comment: This variant is predicted to result in loss of function through nonsense-mediated decay of the encoded transcript or premature truncation of the encoded protein in a gene in which loss of function is a known mechanism of disease (ACMG/AMP: PVS1; PMIDs:11056688, 12920083, 15131399, 16912212, 20104584, 23884708). This variant is absent from or present at an exceedingly low frequency in gnomAD, a large-scale control population database (ACMG/AMP: PM2).

Literature cited by the submitters: PubMed 20104584 (cited by Labcorp Genetics (formerly Invitae), Labcorp and Institute for Genomic Medicine (IGM) Clinical Laboratory, Nationwide Children's Hospital); PubMed 11056688 (cited by Institute for Genomic Medicine (IGM) Clinical Laboratory, Nationwide Children's Hospital); PubMed 12920083 (cited by Institute for Genomic Medicine (IGM) Clinical Laboratory, Nationwide Children's Hospital); PubMed 15131399 (cited by Institute for Genomic Medicine (IGM) Clinical Laboratory, Nationwide Children's Hospital); PubMed 16912212 (cited by Institute for Genomic Medicine (IGM) Clinical Laboratory, Nationwide Children's Hospital); PubMed 23884708 (cited by Institute for Genomic Medicine (IGM) Clinical Laboratory, Nationwide Children's Hospital).

NM_000059.4(BRCA2):c.3478A>T (p.Arg1160Ter)

Gene: BRCA2 (BRCA2 DNA repair associated; plus strand). Cytogenetic location: 13q13.1.
Variant type: single nucleotide variant.
Coding change: c.3478A>T on transcript NM_000059.4 (MANE Select); coding-DNA position 3478, A replaced by T.
Protein change: p.Arg1160Ter; replaces arginine 1160 with a stop codon.
Molecular consequence: nonsense. On other transcripts: non-coding transcript variant (1), intron variant (2).
Genome position (GRCh38, 1-based): chr13:32,337,833, A>T. VCF-style: chr13-32337833-A-T. GRCh37 (hg19) VCF-style: chr13-32911970-A-T.
Other names: c.3478A>T, p.Arg1160Ter (NM_001406719.1, NM_001406720.1, NM_001432077.1); c.1909+4446A>T (NM_001406721.1); c.425-6725A>T (NM_001406722.1); short protein forms R1160*.
Identifiers: ClinVar variation 3617161 (VCV003617161.3).
Genomic context (GRCh38, chr13:32,337,833, plus strand): 5'-AGTACATTTGAAGTGCCTGAAAACCAGATGACTATCTTAAAGACCACTTCTGAGGAATGC[A>T]GAGATGCTGATCTTCATGTCATAATGAATGCCCCATCGATTGGTCAGGTAGACAGCAGCA-3'